The following is an entry in ClinVar:

NM_004565.3(PEX14):c.743C>T (p.Pro248Leu)

Gene: PEX14 (peroxisomal biogenesis factor 14; plus strand). Cytogenetic location: 1p36.22.
Variant type: single nucleotide variant.
Coding change: c.743C>T on transcript NM_004565.3 (MANE Select); coding-DNA position 743, C replaced by T.
Protein change: p.Pro248Leu; replaces proline 248 with leucine.
Molecular consequence: missense variant.
Genome position (GRCh38, 1-based): chr1:10,629,596, C>T. VCF-style: chr1-10629596-C-T. GRCh37 (hg19) VCF-style: chr1-10689653-C-T.
Other names: short protein forms P248L.
Identifiers: ClinVar variation 2410330 (VCV002410330.3), dbSNP rs553512429, ClinGen allele CA583956.

ClinVar aggregate classification (germline): Uncertain significance. Review status: criteria provided, multiple submitters, no conflicts (2 of 4 stars). 2 submissions from 2 submitters: Uncertain significance (2). Last evaluated 2025-04-17.

Conditions:
Inborn genetic diseases. Identifiers: MedGen C0950123, MeSH D030342.
Peroxisome biogenesis disorder, complementation group K (CGK). Identifiers: MedGen C1866257, MONDO:0800365.

Allele frequency attached by ClinVar (database versions not stated): TOPMed 0.00001; 1000 Genomes Project 30x 0.00016; 1000 Genomes Project 0.00020.
gnomAD v4.1: 52 of 1,614,028 alleles (0.0032%); highest among the groups gnomAD compares: East Asian, 0.0045%; no homozygotes.

Submissions (2):

Labcorp Genetics (formerly Invitae), Labcorp
Classification: Uncertain significance for Peroxisome biogenesis disorder, complementation group K. Last evaluated: 2025-04-17. Review status: criteria provided, single submitter. Criteria: Invitae Variant Classification Sherloc (09022015). Collection method: clinical testing. Allele origin: germline.
Comment: This sequence change replaces proline, which is neutral and non-polar, with leucine, which is neutral and non-polar, at codon 248 of the PEX14 protein (p.Pro248Leu). This variant is present in population databases (rs553512429, gnomAD 0.007%). This variant has not been reported in the literature in individuals affected with PEX14-related conditions. ClinVar contains an entry for this variant (Variation ID: 2410330). Invitae Evidence Modeling of protein sequence and biophysical properties (such as structural, functional, and spatial information, amino acid conservation, physicochemical variation, residue mobility, and thermodynamic stability) indicates that this missense variant is not expected to disrupt PEX14 protein function with a negative predictive value of 80%. In summary, the available evidence is currently insufficient to determine the role of this variant in disease. Therefore, it has been classified as a Variant of Uncertain Significance.

Ambry Genetics
Classification: Uncertain significance for Inborn genetic diseases. Last evaluated: 2021-03-22. Review status: criteria provided, single submitter. Criteria: Ambry Variant Classification Scheme 2023. Collection method: clinical testing. Allele origin: germline.
Comment: The c.743C>T (p.P248L) alteration is located in exon 9 (coding exon 9) of the PEX14 gene. This alteration results from a C to T substitution at nucleotide position 743, causing the proline (P) at amino acid position 248 to be replaced by a leucine (L). The p.P248L alteration is predicted to be tolerated by in silico analysis. Based on insufficient or conflicting evidence, the clinical significance of this alteration remains unclear.